The following is an entry in ClinVar:

ClinVar aggregate classification (germline): Conflicting classifications of pathogenicity. Review status: criteria provided, conflicting classifications (1 of 4 stars). 3 submissions from 3 submitters: Uncertain significance (2); Likely benign (1). Last evaluated 2026-02-01.

Conditions:
Ellis-van Creveld syndrome (EVC). Also called: MESOECTODERMAL DYSPLASIA; Chondroectodermal dysplasia; EVC-Related Ellis-van Creveld Syndrome; EVC2-Related Ellis-van Creveld Syndrome. Identifiers: Orphanet 289, MedGen C0013903, MONDO:0009162, OMIM 225500.
Curry-Hall syndrome (WAD). Also called: WEYERS ACRODENTAL DYSOSTOSIS. Identifiers: Orphanet 952, MedGen C0457013, MONDO:0008673, OMIM 193530.

Allele frequency attached by ClinVar (database versions not stated): gnomAD 0.00002 and 0.00005; TOPMed 0.00003; ESP Exome Variant Server 0.00008; gnomAD exomes 0.00010 and 0.00020; ExAC 0.00023; 1000 Genomes Project 30x 0.00047; 1000 Genomes Project 0.00060.
gnomAD v4.1: 170 of 1,614,098 alleles (0.011%); highest among the groups gnomAD compares: South Asian, 0.15%; 1 homozygote.

Submissions (3):

Labcorp Genetics (formerly Invitae), Labcorp
Classification: Likely benign for Curry-Hall syndrome; Ellis-van Creveld syndrome. Last evaluated: 2026-02-01. Review status: criteria provided, single submitter. Criteria: Invitae Variant Classification Sherloc (09022015). Collection method: clinical testing. Allele origin: germline.

GeneDx
Classification: Uncertain significance. Last evaluated: 2022-09-15. Review status: criteria provided, single submitter. Criteria: GeneDx Variant Classification Process June 2021. Collection method: clinical testing. Allele origin: germline. Affected: yes.
Comment: In silico analysis supports that this missense variant does not alter protein structure/function; Has not been previously published as pathogenic or benign to our knowledge

Eurofins Ntd Llc (ga)
Classification: Uncertain significance. Last evaluated: 2017-06-05. Review status: criteria provided, single submitter. Criteria: EGL Classification Definitions 2015. Collection method: clinical testing. Allele origin: germline. Observed: 1 variant allele, 1 heterozygote.

NM_147127.5(EVC2):c.1169G>A (p.Arg390Gln)

Genes: EVC2 (EvC ciliary complex subunit 2; minus strand), LOC126806961 (BRD4-independent group 4 enhancer GRCh37_chr4:5641443-5642642; plus strand). Cytogenetic location: 4p16.2.
Variant type: single nucleotide variant.
Coding change: c.1169G>A on transcript NM_147127.5 (MANE Select); coding-DNA position 1169, G replaced by A.
Protein change: p.Arg390Gln; replaces arginine 390 with glutamine.
Molecular consequence: missense variant.
Genome position (GRCh38, 1-based): chr4:5,640,815, C>T on the plus strand (G>A on the coding strand, the complement: EVC2 is on the minus strand). VCF-style: chr4-5640815-C-T. GRCh37 (hg19) VCF-style: chr4-5642542-C-T.
Other names: c.929G>A, p.Arg310Gln (NM_001166136.2); short protein forms R390Q, R310Q.
Identifiers: ClinVar variation 502098 (VCV000502098.19), dbSNP rs367655073, ClinGen allele CA2835127.